The following is an entry in ClinVar:

ClinVar aggregate classification (germline): Uncertain significance (1 of 4 stars; one submission).

gnomAD v4.1: 22 of 1,613,966 alleles (0.0014%); highest among the groups gnomAD compares: Non-Finnish European, 0.0012%; no homozygotes.

Submission:

Mayo Clinic Laboratories, Mayo Clinic
Classification: Uncertain significance. Last evaluated: 2025-05-19. Review status: criteria provided, single submitter. Criteria: ACMG Guidelines, 2015. Collection method: clinical testing. Allele origin: germline. Observed: 1 variant allele.
Comment: BP4

NM_003477.3(PDHX):c.1382T>C (p.Leu461Pro)

Gene: PDHX (pyruvate dehydrogenase complex component X; plus strand). Cytogenetic location: 11p13.
Variant type: single nucleotide variant.
Coding change: c.1382T>C on transcript NM_003477.3 (MANE Select); coding-DNA position 1382, T replaced by C.
Protein change: p.Leu461Pro; replaces leucine 461 with proline.
Molecular consequence: missense variant.
Genome position (GRCh38, 1-based): chr11:34,995,048, T>C. VCF-style: chr11-34995048-T-C. GRCh37 (hg19) VCF-style: chr11-35016595-T-C.
Other names: p.Leu461Pro; c.1202T>C, p.Leu401Pro (NM_001135024.2); c.701T>C, p.Leu234Pro (NM_001166158.2); short protein forms L234P, L401P, L461P.
Identifiers: ClinVar variation 4541613 (VCV004541613.1).